The following is an entry in ClinVar:

NM_016203.4(PRKAG2):c.1310C>G (p.Ala437Gly)

Gene: PRKAG2 (protein kinase AMP-activated non-catalytic subunit gamma 2; minus strand). Cytogenetic location: 7q36.1.
Variant type: single nucleotide variant.
Coding change: c.1310C>G on transcript NM_016203.4 (MANE Select); coding-DNA position 1310, C replaced by G.
Protein change: p.Ala437Gly; replaces alanine 437 with glycine.
Molecular consequence: missense variant.
Genome position (GRCh38, 1-based): chr7:151,565,809, G>C on the plus strand (C>G on the coding strand, the complement: PRKAG2 is on the minus strand). VCF-style: chr7-151565809-G-C. GRCh37 (hg19) VCF-style: chr7-151262895-G-C.
Other names: c.1178C>G, p.Ala393Gly (NM_001040633.2); c.935C>G, p.Ala312Gly (NM_001304527.2); c.587C>G, p.Ala196Gly (NM_001304531.2, NM_024429.2); c.938C>G, p.Ala313Gly (NM_001363698.2); short protein forms A437G, A312G, A393G, A196G, A313G.
Identifiers: ClinVar variation 222770 (VCV000222770.16), dbSNP rs762111172, ClinGen allele CA054752.
Genomic context (GRCh38, chr7:151,565,809, plus strand): 5'-ATTCGTCTTTCCACAAATATGTTCAAGGCTTTGATGATGGGAGTGTCTGGATGTATGAAG[G>C]CAATGTTGTGGTACGTTCCTATTCCAAGCTCATCCAGGTTCTGCTTCATGAAGGCAGGCT-3'
Protein context (NP_057287.2, residues 427-447): ELGIGTYHNI[Ala437Gly]FIHPDTPIIK

ClinVar aggregate classification (germline): Uncertain significance. Review status: criteria provided, multiple submitters, no conflicts (2 of 4 stars). 5 submissions from 4 submitters: Uncertain significance (5). Last evaluated 2025-07-18.

Conditions:
Lethal congenital glycogen storage disease of heart. Also called: GLYCOGEN STORAGE DISEASE OF HEART; PHOSPHORYLASE KINASE DEFICIENCY OF HEART. Identifiers: Orphanet 439854, MedGen C1849813, MONDO:0009867, OMIM 261740.
Wolff-Parkinson-White pattern. Also called: Auriculoventricular accessory pathway syndrome; False bundle branch block syndrome; Anomalous ventricular excitation syndrome; WPW SYNDROME. Identifiers: MedGen C0043202, MONDO:0008685, OMIM 194200, HP:0001716.
Hypertrophic cardiomyopathy 6. Identifiers: MedGen C1833236, MONDO:0010946, OMIM 600858.

Allele frequency attached by ClinVar (database versions not stated): gnomAD exomes below 0.00001; ExAC 0.00001.
gnomAD v4.1: 4 of 1,612,084 alleles (0.00025%); highest among the groups gnomAD compares: Middle Eastern, 0.066%; no homozygotes.

Submissions (5):

GeneDx
Classification: Uncertain significance. Last evaluated: 2025-07-18. Review status: criteria provided, single submitter. Criteria: GeneDx Variant Classification Process June 2021. Collection method: clinical testing. Allele origin: germline. Affected: yes.
Comment: Not observed at significant frequency in large population cohorts (gnomAD); In silico analysis supports that this missense variant has a deleterious effect on protein structure/function; Has not been previously published as pathogenic or benign to our knowledge

Labcorp Genetics (formerly Invitae), Labcorp
Classification: Uncertain significance for Lethal congenital glycogen storage disease of heart. Last evaluated: 2025-07-08. Review status: criteria provided, single submitter. Criteria: Invitae Variant Classification Sherloc (09022015). Collection method: clinical testing. Allele origin: germline.
Comment: This sequence change replaces alanine, which is neutral and non-polar, with glycine, which is neutral and non-polar, at codon 437 of the PRKAG2 protein (p.Ala437Gly). This variant is not present in population databases (gnomAD no frequency). This variant has not been reported in the literature in individuals affected with PRKAG2-related conditions. ClinVar contains an entry for this variant (Variation ID: 222770). Invitae Evidence Modeling of protein sequence and biophysical properties (such as structural, functional, and spatial information, amino acid conservation, physicochemical variation, residue mobility, and thermodynamic stability) indicates that this missense variant is expected to disrupt PRKAG2 protein function with a positive predictive value of 95%. In summary, the available evidence is currently insufficient to determine the role of this variant in disease. Therefore, it has been classified as a Variant of Uncertain Significance.

Blueprint Genetics
Classification: Uncertain significance. Last evaluated: 2023-12-26. Review status: criteria provided, single submitter. Criteria: ACMG Guidelines, 2015. Collection method: clinical testing. Allele origin: germline.

Illumina Laboratory Services, Illumina
Classification: Uncertain significance for Hypertrophic cardiomyopathy 6. Last evaluated: 2018-01-13. Review status: criteria provided, single submitter. Criteria: ICSL Variant Classification Criteria 13 December 2019. Collection method: clinical testing. Allele origin: germline.

Illumina Laboratory Services, Illumina
Classification: Uncertain significance for Wolff-Parkinson-White pattern. Last evaluated: 2018-01-13. Review status: criteria provided, single submitter. Criteria: ICSL Variant Classification Criteria 13 December 2019. Collection method: clinical testing. Allele origin: germline.